The following is an entry in ClinVar:

ClinVar aggregate classification (germline): Conflicting classifications of pathogenicity. Review status: criteria provided, conflicting classifications (1 of 4 stars). 8 submissions from 8 submitters: Uncertain significance (1); Likely benign (4). 3 of the submissions do not count toward it. Last evaluated 2025-12-08.

Conditions:
NLRP12-related disorder. Also called: NLRP12-related condition; NLRP12-related conditions.
Familial cold autoinflammatory syndrome 2 (FCAS2). Identifiers: Orphanet 247868, MedGen C2673198, MONDO:0012724, OMIM 611762.
Autoinflammatory syndrome. Identifiers: Orphanet 93665, MedGen C3890737, MONDO:0019751.

Submissions (8):

Labcorp Genetics (formerly Invitae), Labcorp
Classification: Likely benign for Familial cold autoinflammatory syndrome 2. Last evaluated: 2025-12-08. Review status: criteria provided, single submitter. Criteria: Invitae Variant Classification Sherloc (09022015). Collection method: clinical testing. Allele origin: germline.

CeGaT Center for Human Genetics Tuebingen
Classification: Likely benign. Last evaluated: 2025-09-01. Review status: criteria provided, single submitter. Criteria: CeGaT Center For Human Genetics Tuebingen Variant Classification Criteria Version 2. Collection method: clinical testing. Allele origin: germline. Affected: yes. Observed: 2 variant alleles.
Comment: NLRP12: BP4, BS1

Blueprint Genetics
Classification: Likely benign. Last evaluated: 2024-07-15. Review status: criteria provided, single submitter. Criteria: ACMG Guidelines, 2015. Collection method: clinical testing. Allele origin: germline.

Genome Diagnostics Laboratory, The Hospital for Sick Children
Classification: Likely benign for Autoinflammatory syndrome. Last evaluated: 2021-12-06. Review status: criteria provided, single submitter. Criteria: ACMG Guidelines, 2015. Collection method: clinical testing. Allele origin: germline. Affected: yes.

Genomic Diagnostic Laboratory, Division of Genomic Diagnostics, Children's Hospital of Philadelphia
Classification: Uncertain significance. Last evaluated: 2015-08-03. Review status: criteria provided, single submitter. Criteria: DGD Variant Analysis Guidelines. Collection method: clinical testing. Allele origin: unknown.

PreventionGenetics, part of Exact Sciences
Classification: Likely benign for NLRP12-related condition. Last evaluated: 2023-12-05. Review status: no assertion criteria provided. Collection method: clinical testing. Allele origin: germline. Not counted in ClinVar's aggregate classification.
Comment: This variant is classified as likely benign based on ACMG/AMP sequence variant interpretation guidelines (Richards et al. 2015 PMID: 25741868, with internal and published modifications).

Clinical Genetics DNA and cytogenetics Diagnostics Lab, Erasmus MC, Erasmus Medical Center
Classification: Likely benign. Review status: no assertion criteria provided. Collection method: clinical testing. Allele origin: germline. Affected: yes. Study: VKGL Data-share Consensus. Not counted in ClinVar's aggregate classification.

Diagnostic Laboratory, Department of Genetics, University Medical Center Groningen
Classification: Likely benign. Review status: no assertion criteria provided. Collection method: clinical testing. Allele origin: germline. Affected: yes. Study: VKGL Data-share Consensus. Not counted in ClinVar's aggregate classification.

NM_144687.4(NLRP12):c.2927+4_2927+5dup

Gene: NLRP12 (NLR family pyrin domain containing 12; minus strand). Cytogenetic location: 19q13.42.
Variant type: Duplication.
Coding change: c.2927+4_2927+5dup on transcript NM_144687.4 (MANE Select); bases 4 to 5 of the intron after coding-DNA position 2927, 2 bases duplicated (AG; older notation c.2927+4_2927+5dupAG).
Molecular consequence: intron variant.
Genome position (GRCh38, 1-based): chr19:53,798,238-53,798,239, CT duplicated on the plus strand (AG on the coding strand, the reverse complement: NLRP12 is on the minus strand); duplicating any 2 consecutive bases within chr19:53,798,238-53,798,240 gives the same sequence; the c. name uses the placement nearest the transcript's 3' end. VCF-style (leftmost placement, unchanged base first): chr19-53798237-G-GCT. GRCh37 (hg19) VCF-style: chr19-54301491-G-GCT.
Other names: c.2757-2210_2757-2209dup (NM_001277129.1); c.2930+4_2930+5dup (NM_001277126.2); c.2927+4_2927+5dupAG (NM_144687.3).
Identifiers: ClinVar variation 330005 (VCV000330005.36), dbSNP rs763190690, ClinGen allele CA249073.